The following is an entry in ClinVar:

ClinVar aggregate classification (germline): Uncertain significance (1 of 4 stars; one submission).

Conditions:
Inborn genetic diseases. Identifiers: MedGen C0950123, MeSH D030342.

Submission:

Ambry Genetics
Classification: Uncertain significance for Inborn genetic diseases. Last evaluated: 2023-11-14. Review status: criteria provided, single submitter. Criteria: Ambry Variant Classification Scheme 2023. Collection method: clinical testing. Allele origin: germline.
Comment: The p.E832V variant (also known as c.2495A>T), located in coding exon 16 of the EPAS1 gene, results from an A to T substitution at nucleotide position 2495. The glutamic acid at codon 832 is replaced by valine, an amino acid with dissimilar properties. This amino acid position is conserved. In addition, this alteration is predicted to be deleterious by in silico analysis. Since supporting evidence is limited at this time, the clinical significance of this alteration remains unclear.

NM_001430.5(EPAS1):c.2495A>T (p.Glu832Val)

Gene: EPAS1 (endothelial PAS domain protein 1; plus strand). Cytogenetic location: 2p21.
Variant type: single nucleotide variant.
Coding change: c.2495A>T on transcript NM_001430.5 (MANE Select); coding-DNA position 2495, A replaced by T.
Protein change: p.Glu832Val; replaces glutamic acid 832 with valine.
Molecular consequence: missense variant.
Genome position (GRCh38, 1-based): chr2:46,384,542, A>T. VCF-style: chr2-46384542-A-T. GRCh37 (hg19) VCF-style: chr2-46611681-A-T.
Other names: short protein forms E832V.
Identifiers: ClinVar variation 3221634 (VCV003221634.1), dbSNP rs2103682345, ClinGen allele CA346706995.